The following is an entry in ClinVar:

NM_000460.4(THPO):c.470G>A (p.Arg157Gln)

Gene: THPO (thrombopoietin; minus strand). Cytogenetic location: 3q27.1.
Variant type: single nucleotide variant.
Coding change: c.470G>A on transcript NM_000460.4 (MANE Select); coding-DNA position 470, G replaced by A.
Protein change: p.Arg157Gln; replaces arginine 157 with glutamine.
Molecular consequence: missense variant. On other transcripts: synonymous variant (2).
Genome position (GRCh38, 1-based): chr3:184,373,105, C>T on the plus strand (G>A on the coding strand, the complement: THPO is on the minus strand). VCF-style: chr3-184373105-C-T. GRCh37 (hg19) VCF-style: chr3-184090893-C-T.
Other names: c.458G>A, p.Arg153Gln (NM_001177597.2, NM_001290022.1); c.453G>A, p.Pro151= (NM_001177598.2, NM_001290026.1); c.470G>A, p.Arg157Gln (NM_001289997.1, NM_001289998.1, NM_001290027.1 and 1 more transcripts); c.890G>A, p.Arg297Gln (NM_001290003.1); short protein forms R157Q, R297Q, R153Q.
Identifiers: ClinVar variation 1942776 (VCV001942776.5), dbSNP rs750080820, ClinGen allele CA2734937.

ClinVar aggregate classification (germline): Uncertain significance (1 of 4 stars; one submission).

Allele frequency attached by ClinVar (database versions not stated): TOPMed below 0.00001; ExAC 0.00001.

Submission:

Labcorp Genetics (formerly Invitae), Labcorp
Classification: Uncertain significance. Last evaluated: 2022-06-13. Review status: criteria provided, single submitter. Criteria: Invitae Variant Classification Sherloc (09022015). Collection method: clinical testing. Allele origin: germline.
Comment: In summary, the available evidence is currently insufficient to determine the role of this variant in disease. Therefore, it has been classified as a Variant of Uncertain Significance. Algorithms developed to predict the effect of missense changes on protein structure and function are either unavailable or do not agree on the potential impact of this missense change (SIFT: "Deleterious"; PolyPhen-2: "Possibly Damaging"; Align-GVGD: "Class C0"). This variant has not been reported in the literature in individuals affected with THPO-related conditions. The frequency data for this variant in the population databases is considered unreliable, as metrics indicate poor data quality at this position in the gnomAD database. This sequence change replaces arginine, which is basic and polar, with glutamine, which is neutral and polar, at codon 157 of the THPO protein (p.Arg157Gln).